The following is an entry in ClinVar:

NM_004655.4(AXIN2):c.1809T>C (p.Ala603=)

Gene: AXIN2 (axin 2; minus strand). Cytogenetic location: 17q24.1.
Variant type: single nucleotide variant.
Coding change: c.1809T>C on transcript NM_004655.4 (MANE Select); coding-DNA position 1809, T replaced by C.
Protein change: p.Ala603=; no amino-acid change (alanine 603 retained).
Molecular consequence: synonymous variant. On other transcripts: intron variant (1).
Genome position (GRCh38, 1-based): chr17:65,536,967, A>G on the plus strand (T>C on the coding strand, the complement: AXIN2 is on the minus strand). VCF-style: chr17-65536967-A-G. GRCh37 (hg19) VCF-style: chr17-63533085-A-G.
Other names: c.1809T>C (LRG_296t1); c.1712+357T>C (NM_001363813.1).
Identifiers: ClinVar variation 464573 (VCV000464573.15), dbSNP rs774539942, ClinGen allele CA8718523.

ClinVar aggregate classification (germline): Benign/Likely benign. Review status: criteria provided, multiple submitters, no conflicts (2 of 4 stars). 3 submissions from 3 submitters: Benign (1); Likely benign (2). Last evaluated 2025-08-20.

Conditions:
Oligodontia-cancer predisposition syndrome. Also called: TOOTH AGENESIS-COLORECTAL CANCER SYNDROME. Identifiers: Orphanet 300576, MedGen C1837750, MONDO:0012075, OMIM 608615. Disease mechanism: loss of function.
Hereditary cancer-predisposing syndrome. Also called: Neoplastic Syndromes, Hereditary; Tumor predisposition; Hereditary Cancer Syndrome; Hereditary neoplastic syndrome. Identifiers: Orphanet 140162, MedGen C0027672, MeSH D009386, MONDO:0015356.

gnomAD v4.1: 27 of 1,613,180 alleles (0.0017%); highest among the groups gnomAD compares: Admixed American, 0.012%; no homozygotes.

Submissions (3):

Labcorp Genetics (formerly Invitae), Labcorp
Classification: Likely benign for Oligodontia-cancer predisposition syndrome. Last evaluated: 2025-08-20. Review status: criteria provided, single submitter. Criteria: Invitae Variant Classification Sherloc (09022015). Collection method: clinical testing. Allele origin: germline.

Myriad Genetics, Inc.
Classification: Benign for Oligodontia-cancer predisposition syndrome. Last evaluated: 2024-07-08. Review status: criteria provided, single submitter. Criteria: Myriad Autosomal Dominant, Autosomal Recessive and X-Linked Classification Criteria (2023). Collection method: clinical testing. Allele origin: unknown.
Comment: This variant is considered benign. This variant is a silent/synonymous amino acid change and it is not expected to impact splicing.

Ambry Genetics
Classification: Likely benign for Hereditary cancer-predisposing syndrome. Last evaluated: 2021-11-15. Review status: criteria provided, single submitter. Criteria: Ambry Variant Classification Scheme 2023. Collection method: clinical testing. Allele origin: germline.